The following is an entry in ClinVar:

ClinVar aggregate classification (germline): Benign (1 of 4 stars; one submission).

Allele frequency attached by ClinVar (database versions not stated): ESP Exome Variant Server 0.00046; gnomAD exomes 0.00068; gnomAD 0.00080; TOPMed 0.00085; ExAC 0.00090.
gnomAD v4.1: 1,216 of 1,613,306 alleles (0.075%); highest among the groups gnomAD compares: Middle Eastern, 0.016%; 16 homozygotes.

Submission:

CeGaT Center for Human Genetics Tuebingen
Classification: Benign. Last evaluated: 2023-01-01. Review status: criteria provided, single submitter. Criteria: CeGaT Center For Human Genetics Tuebingen Variant Classification Criteria Version 2. Collection method: clinical testing. Allele origin: germline. Affected: yes. Observed: 1 variant allele.
Comment: SCAP: BP4, BS1, BS2

NM_012235.4(SCAP):c.3360G>A (p.Gly1120=)

Gene: SCAP (SREBF chaperone; minus strand). Cytogenetic location: 3p21.31.
Variant type: single nucleotide variant.
Coding change: c.3360G>A on transcript NM_012235.4 (MANE Select); coding-DNA position 3360, G replaced by A.
Protein change: p.Gly1120=; no amino-acid change (glycine 1120 retained).
Molecular consequence: synonymous variant.
Genome position (GRCh38, 1-based): chr3:47,414,599, C>T on the plus strand (G>A on the coding strand, the complement: SCAP is on the minus strand). VCF-style: chr3-47414599-C-T. GRCh37 (hg19) VCF-style: chr3-47456089-C-T.
Other names: c.2592G>A, p.Gly864= (NM_001320044.2).
Identifiers: ClinVar variation 2653760 (VCV002653760.24), dbSNP rs34950272, ClinGen allele CA2366895.